The following is an entry in ClinVar:

ClinVar aggregate classification (germline): Uncertain significance (1 of 4 stars; one submission).

Conditions:
Hereditary cancer-predisposing syndrome. Also called: Hereditary neoplastic syndrome; Hereditary Cancer Syndrome; Neoplastic Syndromes, Hereditary; Tumor predisposition. Identifiers: Orphanet 140162, MedGen C0027672, MeSH D009386, MONDO:0015356.

Submission:

Ambry Genetics
Classification: Uncertain significance for Hereditary cancer-predisposing syndrome. Last evaluated: 2023-06-04. Review status: criteria provided, single submitter. Criteria: Ambry Variant Classification Scheme 2023. Collection method: clinical testing. Allele origin: germline.
Comment: The p.T50K variant (also known as c.149C>A), located in coding exon 1 of the MET gene, results from a C to A substitution at nucleotide position 149. The threonine at codon 50 is replaced by lysine, an amino acid with similar properties. This amino acid position is conserved. In addition, this alteration is predicted to be tolerated by in silico analysis. Since supporting evidence is limited at this time, the clinical significance of this alteration remains unclear.

NM_000245.4(MET):c.149C>A (p.Thr50Lys)

Gene: MET (MET proto-oncogene, receptor tyrosine kinase; plus strand). Cytogenetic location: 7q31.2.
Variant type: single nucleotide variant.
Coding change: c.149C>A on transcript NM_000245.4 (MANE Select); coding-DNA position 149, C replaced by A.
Protein change: p.Thr50Lys; replaces threonine 50 with lysine.
Molecular consequence: missense variant. On other transcripts: intron variant (1).
Genome position (GRCh38, 1-based): chr7:116,699,233, C>A. VCF-style: chr7-116699233-C-A. GRCh37 (hg19) VCF-style: chr7-116339287-C-A.
Other names: c.149C>A, p.Thr50Lys (NM_001127500.3, NM_001324401.3); c.-91+26656C>A (NM_001324402.2); short protein forms T50K.
Identifiers: ClinVar variation 2567710 (VCV002567710.2), dbSNP rs2116581574, ClinGen allele CA368968446.